The following is an entry in ClinVar:

ClinVar aggregate classification (germline): Likely benign (0 of 4 stars; one submission).

Conditions:
SPG11-related disorder. Also called: SPG11-related condition.

Submission:

PreventionGenetics, part of Exact Sciences
Classification: Likely benign for SPG11-related condition. Last evaluated: 2019-09-23. Review status: no assertion criteria provided. Collection method: clinical testing. Allele origin: germline.
Comment: This variant is classified as likely benign based on ACMG/AMP sequence variant interpretation guidelines (Richards et al. 2015 PMID: 25741868, with internal and published modifications).

NM_025137.4(SPG11):c.3723G>A (p.Gly1241=)

Gene: SPG11 (SPG11 vesicle trafficking associated, spatacsin; minus strand). Cytogenetic location: 15q21.1.
Variant type: single nucleotide variant.
Coding change: c.3723G>A on transcript NM_025137.4 (MANE Select); coding-DNA position 3723, G replaced by A.
Protein change: p.Gly1241=; no amino-acid change (glycine 1241 retained).
Molecular consequence: synonymous variant.
Genome position (GRCh38, 1-based): chr15:44,598,800, C>T on the plus strand (G>A on the coding strand, the complement: SPG11 is on the minus strand). VCF-style: chr15-44598800-C-T. GRCh37 (hg19) VCF-style: chr15-44890998-C-T.
Other names: c.3723G>A, p.Gly1241= (NM_001160227.2, NM_001411132.1).
Identifiers: ClinVar variation 3041162 (VCV003041162.2), dbSNP rs2505396178, ClinGen allele CA490207859.
Genomic context (GRCh38, chr15:44,598,800, plus strand): 5'-AAGCAATTCTAAGAAACAAACACATGCAGCTCCTATTGAAGGTATGTGGAAGGAGGAGAG[C>T]CCTATAACATAGGCTTCATTGCCTACTTGCTGGATCCTGAAAAAGAAAGGAATCAAAATC-3'
Protein context (NP_079413.3, residues 1231-1251): QQVGNEAYVI[Gly1241=]LSSFHIPSIG